The following is an entry in ClinVar:

NM_153033.5(KCTD7):c.507G>C (p.Arg169=)

Gene: KCTD7 (potassium channel tetramerization domain containing 7; plus strand). Cytogenetic location: 7q11.21.
Variant type: single nucleotide variant.
Coding change: c.507G>C on transcript NM_153033.5 (MANE Select); coding-DNA position 507, G replaced by C.
Protein change: p.Arg169=; no amino-acid change (arginine 169 retained).
Molecular consequence: synonymous variant.
Genome position (GRCh38, 1-based): chr7:66,638,869, G>C. VCF-style: chr7-66638869-G-C. GRCh37 (hg19) VCF-style: chr7-66103856-G-C.
Other names: p.R169R:CGG>CGC; c.507G>C, p.Arg169= (NM_001167961.2).
Identifiers: ClinVar variation 206006 (VCV000206006.14), dbSNP rs142379946, ClinGen allele CA315675.

ClinVar aggregate classification (germline): Benign/Likely benign. Review status: criteria provided, multiple submitters, no conflicts (2 of 4 stars). 3 submissions from 3 submitters: Benign (1); Likely benign (2). Last evaluated 2026-01-20.

Conditions:
Progressive myoclonic epilepsy type 3. Also called: KCTD7-Related Progressive Myoclonic Epilepsy; EPILEPSY, PROGRESSIVE MYOCLONIC, 3, WITH OR WITHOUT INTRACELLULAR INCLUSIONS; CEROID LIPOFUSCINOSIS, NEURONAL, 14; EPILEPSY, PROGRESSIVE MYOCLONIC, 3, WITHOUT INTRACELLULAR INCLUSIONS. Identifiers: Orphanet 263516, MedGen C2673257, MONDO:0012721, OMIM 611726.
Inborn genetic diseases. Identifiers: MedGen C0950123, MeSH D030342.

Allele frequency attached by ClinVar (database versions not stated): gnomAD exomes 0.00008; ExAC 0.00010; gnomAD 0.00028 and 0.00031; TOPMed 0.00031; ESP Exome Variant Server 0.00046.
gnomAD v4.1: 83 of 1,613,976 alleles (0.0051%); highest among the groups gnomAD compares: African/African-American, 0.099%; no homozygotes.

Submissions (3):

Labcorp Genetics (formerly Invitae), Labcorp
Classification: Likely benign for Progressive myoclonic epilepsy type 3. Last evaluated: 2026-01-20. Review status: criteria provided, single submitter. Criteria: Invitae Variant Classification Sherloc (09022015). Collection method: clinical testing. Allele origin: germline.

Ambry Genetics
Classification: Likely benign for Inborn genetic diseases. Last evaluated: 2017-07-28. Review status: criteria provided, single submitter. Criteria: Ambry Variant Classification Scheme 2023. Collection method: clinical testing. Allele origin: germline.

GeneDx
Classification: Benign. Last evaluated: 2014-09-03. Review status: criteria provided, single submitter. Criteria: GeneDx Variant Classification (06012015). Collection method: clinical testing. Allele origin: germline. Affected: yes.
Comment: This variant is considered likely benign or benign based on one or more of the following criteria: it is a conservative change, it occurs at a poorly conserved position in the protein, it is predicted to be benign by multiple in silico algorithms, and/or has population frequency not consistent with disease.